The following is an entry in ClinVar:

ClinVar aggregate classification (germline): Pathogenic. Review status: criteria provided, multiple submitters, no conflicts (2 of 4 stars). 2 submissions from 2 submitters: Pathogenic (2). Last evaluated 2025-07-15.

Conditions:
Thrombophilia, X-linked, due to factor 9 defect. Identifiers: MedGen C2749016, MONDO:0010432, OMIM 300807.
Hereditary factor IX deficiency disease (HEMB). Also called: Christmas Disease; F9 DEFICIENCY; FACTOR IX DEFICIENCY; PLASMA THROMBOPLASTIN COMPONENT DEFICIENCY; Hemophilia B. Identifiers: Orphanet 98879, MedGen C0008533, MeSH D002836, MONDO:0010604, OMIM 306900.

Submissions (2):

Women's Health and Genetics/Laboratory Corporation of America, LabCorp
Classification: Pathogenic for Hereditary factor IX deficiency disease. Last evaluated: 2025-07-15. Review status: criteria provided, single submitter. Criteria: LabCorp Variant Classification Summary - May 2015. Collection method: clinical testing. Allele origin: germline.
Comment: Variant summary: F9 c.755G>A (p.Cys252Tyr) results in a non-conservative amino acid change in the encoded protein sequence. Algorithms developed to predict the effect of missense changes on protein structure and function all suggest that this variant is likely to be disruptive. The variant was absent in 183452 control chromosomes. c.755G>A has been observed in multiple individuals affected with Factor IX Deficiency (Hemophilia B) (examples: Wang_2016,Hamasaki-Katagiri_2012). These data indicate that the variant is very likely to be associated with disease. The following publications have been ascertained in the context of this evaluation (PMID: 27109384, 22639855). ClinVar contains an entry for this variant (Variation ID: 2138739). Based on the evidence outlined above, the variant was classified as pathogenic.

Labcorp Genetics (formerly Invitae), Labcorp
Classification: Pathogenic for Thrombophilia, X-linked, due to factor 9 defect; Hereditary factor IX deficiency disease. Last evaluated: 2022-06-29. Review status: criteria provided, single submitter. Criteria: Invitae Variant Classification Sherloc (09022015). Collection method: clinical testing. Allele origin: germline.
Comment: For these reasons, this variant has been classified as Pathogenic. This variant disrupts the p.Cys252 amino acid residue in F9. Other variant(s) that disrupt this residue have been observed in individuals with F9-related conditions (PMID: 22639855, 27109384, 28752769), which suggests that this may be a clinically significant amino acid residue. Advanced modeling of protein sequence and biophysical properties (such as structural, functional, and spatial information, amino acid conservation, physicochemical variation, residue mobility, and thermodynamic stability) performed at Invitae indicates that this missense variant is expected to disrupt F9 protein function. This variant is also known as 206, C>Y. This missense change has been observed in individuals with hemophilia B (PMID: 22639855, 27109384). This variant is not present in population databases (gnomAD no frequency). This sequence change replaces cysteine, which is neutral and slightly polar, with tyrosine, which is neutral and polar, at codon 252 of the F9 protein (p.Cys252Tyr).

Literature cited by the submitters: PubMed 22639855 (cited by Women's Health and Genetics/Laboratory Corporation of America, LabCorp and Labcorp Genetics (formerly Invitae), Labcorp); PubMed 27109384 (cited by Women's Health and Genetics/Laboratory Corporation of America, LabCorp and Labcorp Genetics (formerly Invitae), Labcorp); PubMed 28752769 (cited by Labcorp Genetics (formerly Invitae), Labcorp).

NM_000133.4(F9):c.755G>A (p.Cys252Tyr)

Gene: F9 (coagulation factor IX; plus strand). Cytogenetic location: Xq27.1.
Variant type: single nucleotide variant.
Coding change: c.755G>A on transcript NM_000133.4 (MANE Select); coding-DNA position 755, G replaced by A.
Protein change: p.Cys252Tyr; replaces cysteine 252 with tyrosine.
Molecular consequence: missense variant.
Genome position (GRCh38, 1-based): chrX:139,560,772, G>A. VCF-style: chrX-139560772-G-A. GRCh37 (hg19) VCF-style: chrX-138642931-G-A.
Other names: c.641G>A, p.Cys214Tyr (NM_001313913.2); short protein forms C214Y, C252Y.
Identifiers: ClinVar variation 2138739 (VCV002138739.5), dbSNP rs267606792, ClinGen allele CA414443205.